The following is an entry in ClinVar:

NM_004082.5(DCTN1):c.2881A>G (p.Ile961Val)

Gene: DCTN1 (dynactin subunit 1; minus strand). Cytogenetic location: 2p13.1.
Variant type: single nucleotide variant.
Coding change: c.2881A>G on transcript NM_004082.5 (MANE Select); coding-DNA position 2881, A replaced by G.
Protein change: p.Ile961Val; replaces isoleucine 961 with valine.
Molecular consequence: missense variant. On other transcripts: non-coding transcript variant (1).
Genome position (GRCh38, 1-based): chr2:74,365,898, T>C on the plus strand (A>G on the coding strand, the complement: DCTN1 is on the minus strand). VCF-style: chr2-74365898-T-C. GRCh37 (hg19) VCF-style: chr2-74593025-T-C.
Other names: c.2821A>G, p.Ile941Val (NM_001135040.3); c.2479A>G, p.Ile827Val (NM_001135041.3, NM_023019.4); c.2770A>G, p.Ile924Val (NM_001190836.2); c.2860A>G, p.Ile954Val (NM_001190837.2); c.2830A>G, p.Ile944Val (NM_001378991.1); c.2812A>G, p.Ile938Val (NM_001378992.1); short protein forms I827V, I938V, I961V, I941V, I924V, I944V, I954V.
Identifiers: ClinVar variation 4617027 (VCV004617027.2).

ClinVar aggregate classification (germline): Uncertain significance. Review status: criteria provided, multiple submitters, no conflicts (2 of 4 stars). 2 submissions from 2 submitters: Uncertain significance (2). Last evaluated 2025-11-24.

Conditions:
Inborn genetic diseases. Identifiers: MedGen C0950123, MeSH D030342.
Amyotrophic lateral sclerosis type 1 (ALS1). Also called: AMYOTROPHIC LATERAL SCLEROSIS 1, FAMILIAL. Identifiers: Orphanet 803, MedGen C1862939, MONDO:0007103, OMIM 105400.
Neuronopathy, distal hereditary motor, type 7B. Also called: Distal Hereditary Motor Neuronopathy Type 7B (dHMN7B); NEURONOPATHY, DISTAL HEREDITARY MOTOR, AUTOSOMAL DOMINANT 14; NEURONOPATHY, DISTAL HEREDITARY MOTOR, HARDING TYPE VIIB; NEUROPATHY, DISTAL HEREDITARY MOTOR, HARDING TYPE VIIB; NEUROPATHY, DISTAL HEREDITARY MOTOR, WITH VOCAL CORD PARALYSIS, HARDING TYPE VIIB; HMN VIIB. Identifiers: Orphanet 139589, MedGen C1843315, MONDO:0011879, OMIM 607641.
Perry syndrome. Also called: PARKINSONISM WITH ALVEOLAR HYPOVENTILATION AND MENTAL DEPRESSION. Identifiers: Orphanet 178509, MedGen C1868594, MONDO:0008201, OMIM 168605.

gnomAD v4.1: 2 of 1,614,212 alleles (0.00012%); highest among the groups gnomAD compares: Non-Finnish European, 0.00017%; no homozygotes.

Submissions (2):

Ambry Genetics
Classification: Uncertain significance for Inborn genetic diseases. Last evaluated: 2025-11-24. Review status: criteria provided, single submitter. Criteria: Ambry Variant Classification Scheme 2023. Collection method: clinical testing. Allele origin: germline.

Labcorp Genetics (formerly Invitae), Labcorp
Classification: Uncertain significance for Amyotrophic lateral sclerosis type 1; Neuronopathy, distal hereditary motor, type 7B; Perry syndrome. Last evaluated: 2025-04-30. Review status: criteria provided, single submitter. Criteria: Invitae Variant Classification Sherloc (09022015). Collection method: clinical testing. Allele origin: germline.
Comment: This sequence change replaces isoleucine, which is neutral and non-polar, with valine, which is neutral and non-polar, at codon 961 of the DCTN1 protein (p.Ile961Val). This variant is not present in population databases (gnomAD no frequency). This variant has not been reported in the literature in individuals affected with DCTN1-related conditions. Invitae Evidence Modeling of protein sequence and biophysical properties (such as structural, functional, and spatial information, amino acid conservation, physicochemical variation, residue mobility, and thermodynamic stability) indicates that this missense variant is not expected to disrupt DCTN1 protein function with a negative predictive value of 95%. In summary, the available evidence is currently insufficient to determine the role of this variant in disease. Therefore, it has been classified as a Variant of Uncertain Significance.